The following is an entry in ClinVar:

NM_000052.7(ATP7A):c.1947-3_1948dup

Gene: ATP7A (ATPase copper transporting alpha; plus strand). Cytogenetic location: Xq21.1.
Variant type: Duplication.
Coding change: c.1947-3_1948dup on transcript NM_000052.7 (MANE Select); 3 bases into the intron before coding-DNA position 1947 through coding-DNA position 1948, 5 bases duplicated (AAGAT; older notation c.1947-3_1948dupAAGAT).
Molecular consequence: splice acceptor variant.
Genome position (GRCh38, 1-based): chrX:78,011,446-78,011,450, AAGAT duplicated; duplicating any 5 consecutive bases within chrX:78,011,444-78,011,450 gives the same sequence; the c. name uses the placement nearest the transcript's 3' end. VCF-style (leftmost placement, unchanged base first): chrX-78011443-T-TATAAG. GRCh37 (hg19) VCF-style: chrX-77266940-T-TATAAG.
Other names: EX8 DEL; c.1947-3_1948dup (NM_000052.6, NM_001282224.2); c.1947-3_1948dupAAGAT (NM_000052.6).
Identifiers: ClinVar variation 11789 (VCV000011789.5), dbSNP rs2522349526, ClinGen allele CA658655512.

ClinVar aggregate classification (germline): Pathogenic. Review status: criteria provided, single submitter (1 of 4 stars). 3 submissions from 3 submitters: Pathogenic (1). 2 of the submissions do not count toward it. Last evaluated 2025-02-04.

Conditions:
Menkes kinky-hair syndrome (MNK). Also called: Menkes Disease; Copper transport disease; Classic Menkes Disease. Identifiers: Orphanet 565, MedGen C0022716, MONDO:0010651, OMIM 309400.
Menkes disease, copper-replacement responsive. Identifiers: MedGen C4016447.

Submissions (3):

Natera, Inc.
Classification: Pathogenic for Menkes kinky hair syndrome. Last evaluated: 2025-02-04. Review status: criteria provided, single submitter. Criteria: Natera Variant Classification Schema (03/2026). Collection method: clinical testing. Allele origin: germline.
Comment: The c.1947-3_1948dup variant in ATP7A is a frameshift variant predicted to shift the reading frame and introduce a stop codon. This variant is expected to result in nonsense mediated decay, truncation, or a dysfunctional protein product. This variant is rare in the general population with a frequency below the threshold expected for the associated phenotype(s). This variant has been observed in affected individual(s) with monoallelic occurrence (heterozygous/hemizygous) (PMID: 21494555, 21228398, 8812725). Additionally, this variant has been observed to segregate in affected family members (PMID: 8812725). Functional studies show that this variant may disrupt protein function (PMID: 21494555, 8812725). Given the available evidence, this variant is classified as Pathogenic.

Inherited Neuropathy Consortium Ii, University Of Miami
Classification: Uncertain significance for Menkes kinky-hair syndrome. Last evaluated: 2016-01-06. Review status: no assertion criteria provided. Collection method: literature only. Allele origin: germline. Affected: yes. Not counted in ClinVar's aggregate classification.

OMIM
Classification: Pathogenic for MENKES DISEASE, COPPER-REPLACEMENT RESPONSIVE. Last evaluated: 2003-04-01. Review status: no assertion criteria provided. Collection method: literature only. Allele origin: germline. Not counted in ClinVar's aggregate classification.

Literature cited by the submitters: PubMed 21494555 (cited by Natera, Inc.); PubMed 21228398 (cited by Natera, Inc.); PubMed 8812725 (cited by Natera, Inc. and OMIM); PubMed 8981948 (cited by Inherited Neuropathy Consortium Ii, University Of Miami); PubMed 12676902 (cited by OMIM).